The following is an entry in ClinVar:

ClinVar aggregate classification (germline): Benign/Likely benign. Review status: criteria provided, multiple submitters, no conflicts (2 of 4 stars). 5 submissions from 5 submitters: Benign (1); Likely benign (4). Last evaluated 2025-12-01.

Conditions:
Familial cold autoinflammatory syndrome 3 (FCAS3). Also called: FAMILIAL ATYPICAL COLD URTICARIA; ANTIBODY DEFICIENCY AND IMMUNE DYSREGULATION, PLCG2-ASSOCIATED. Identifiers: Orphanet 300359, MedGen C3280914, MONDO:0013766, OMIM 614468.
Autoinflammation-PLCG2-associated antibody deficiency-immune dysregulation. Also called: Autoinflammation, antibody deficiency, and immune dysregulation syndrome; Autoinflammation, antibody deficiency, and immune dysregulation, plcg2-associated; AUTOINFLAMMATION, ANTIBODY DEFICIENCY, AND IMMUNE DYSREGULATION. Identifiers: Orphanet 324530, MedGen C3553961, MONDO:0013944, OMIM 614878.

Allele frequency attached by ClinVar (database versions not stated): gnomAD exomes 0.00005 and 0.00012; ExAC 0.00006; TOPMed 0.00009; gnomAD 0.00013; ESP Exome Variant Server 0.00016.
gnomAD v4.1: 187 of 1,613,992 alleles (0.012%); highest among the groups gnomAD compares: Non-Finnish European, 0.015%; no homozygotes.

Submissions (5):

Labcorp Genetics (formerly Invitae), Labcorp
Classification: Likely benign for Familial cold autoinflammatory syndrome 3. Last evaluated: 2025-12-01. Review status: criteria provided, single submitter. Criteria: Invitae Variant Classification Sherloc (09022015). Collection method: clinical testing. Allele origin: germline.

Mayo Clinic Laboratories, Mayo Clinic
Classification: Likely benign. Last evaluated: 2025-11-05. Review status: criteria provided, single submitter. Criteria: ACMG Guidelines, 2015. Collection method: clinical testing. Allele origin: germline. Observed: 1 variant allele.
Comment: BP4, BP7

Women's Health and Genetics/Laboratory Corporation of America, LabCorp
Classification: Benign. Last evaluated: 2024-12-03. Review status: criteria provided, single submitter. Criteria: LabCorp Variant Classification Summary - May 2015. Collection method: clinical testing. Allele origin: germline.

Blueprint Genetics
Classification: Likely benign. Last evaluated: 2022-10-21. Review status: criteria provided, single submitter. Criteria: ACMG Guidelines, 2015. Collection method: clinical testing. Allele origin: germline.

Fulgent Genetics
Classification: Likely benign for Familial cold autoinflammatory syndrome 3; Autoinflammation-PLCG2-associated antibody deficiency-immune dysregulation. Last evaluated: 2021-12-09. Review status: criteria provided, single submitter. Criteria: ACMG Guidelines, 2015. Collection method: clinical testing. Allele origin: unknown.

NM_002661.5(PLCG2):c.1116T>C (p.His372=)

Gene: PLCG2 (phospholipase C gamma 2; plus strand). Cytogenetic location: 16q23.3.
Variant type: single nucleotide variant.
Coding change: c.1116T>C on transcript NM_002661.5 (MANE Select); coding-DNA position 1116, T replaced by C.
Protein change: p.His372=; no amino-acid change (histidine 372 retained).
Molecular consequence: synonymous variant.
Genome position (GRCh38, 1-based): chr16:81,895,850, T>C. VCF-style: chr16-81895850-T-C. GRCh37 (hg19) VCF-style: chr16-81929455-T-C.
Other names: p.His372=.
Identifiers: ClinVar variation 713641 (VCV000713641.15), dbSNP rs369732261, ClinGen allele CA8193607.